The following is an entry in ClinVar:

ClinVar aggregate classification (germline): Uncertain significance. Review status: criteria provided, multiple submitters, no conflicts (2 of 4 stars). 4 submissions from 4 submitters: Uncertain significance (4). Last evaluated 2025-11-20.

Conditions:
Breast-ovarian cancer, familial, susceptibility to, 4. Identifiers: Orphanet 145, MedGen C3280345, MONDO:0013669, OMIM 614291.
Hereditary cancer-predisposing syndrome. Also called: Neoplastic Syndromes, Hereditary; Hereditary neoplastic syndrome; Tumor predisposition; Hereditary Cancer Syndrome. Identifiers: Orphanet 140162, MedGen C0027672, MeSH D009386, MONDO:0015356.

Submissions (4):

Ambry Genetics
Classification: Uncertain significance for Hereditary cancer-predisposing syndrome. Last evaluated: 2025-11-20. Review status: criteria provided, single submitter. Criteria: Ambry Variant Classification Scheme 2023. Collection method: clinical testing. Allele origin: germline.
Comment: The p.T303A variant (also known as c.907A>G), located in coding exon 10 of the RAD51D gene, results from an A to G substitution at nucleotide position 907. The threonine at codon 303 is replaced by alanine, an amino acid with similar properties. This amino acid position is highly conserved in available vertebrate species. In addition, this alteration is predicted to be tolerated by in silico analysis. Since supporting evidence is limited at this time, the clinical significance of this alteration remains unclear.

Dasa
Classification: Uncertain significance. Last evaluated: 2025-05-23. Review status: criteria provided, single submitter. Criteria: DASA Assertion Criteria. Collection method: clinical testing. Allele origin: germline.
Comment: NM_002878.4(RAD51D):c.907A>G (p.Thr303Ala) is a missense variant that results in the substitution of threonine with alanine. This variant is absent from population databases. Computational prediction algorithms are consistent with a deleterious effect. The currently available literature and clinical evidence are not sufficient to establish a definitive association between this variant and the reported condition. Therefore, this variant is classified as a variant of uncertain significance.

Labcorp Genetics (formerly Invitae), Labcorp
Classification: Uncertain significance for Breast-ovarian cancer, familial, susceptibility to, 4. Last evaluated: 2024-09-30. Review status: criteria provided, single submitter. Criteria: Invitae Variant Classification Sherloc (09022015). Collection method: clinical testing. Allele origin: germline.
Comment: This sequence change replaces threonine, which is neutral and polar, with alanine, which is neutral and non-polar, at codon 303 of the RAD51D protein (p.Thr303Ala). This variant is not present in population databases (gnomAD no frequency). This variant has not been reported in the literature in individuals affected with RAD51D-related conditions. ClinVar contains an entry for this variant (Variation ID: 187065). Invitae Evidence Modeling of protein sequence and biophysical properties (such as structural, functional, and spatial information, amino acid conservation, physicochemical variation, residue mobility, and thermodynamic stability) indicates that this missense variant is not expected to disrupt RAD51D protein function with a negative predictive value of 80%. Algorithms developed to predict the effect of sequence changes on RNA splicing suggest that this variant may disrupt the consensus splice site. In summary, the available evidence is currently insufficient to determine the role of this variant in disease. Therefore, it has been classified as a Variant of Uncertain Significance.

Color Diagnostics, LLC DBA Color Health
Classification: Uncertain significance for Hereditary cancer-predisposing syndrome. Last evaluated: 2024-03-07. Review status: criteria provided, single submitter. Criteria: ACMG Guidelines, 2015. Collection method: clinical testing. Allele origin: germline.
Comment: This missense variant replaces threonine with alanine at codon 303 of the RAD51D protein. Computational prediction suggests that this variant may not impact protein structure and function (internally defined REVEL score threshold <= 0.5, PMID: 27666373). To our knowledge, functional studies have not been reported for this variant. This variant has not been reported in individuals affected with hereditary cancer in the literature. This variant has not been identified in the general population by the Genome Aggregation Database (gnomAD). The available evidence is insufficient to determine the role of this variant in disease conclusively. Therefore, this variant is classified as a Variant of Uncertain Significance.

NM_002878.4(RAD51D):c.907A>G (p.Thr303Ala)

Genes: RAD51D (RAD51 paralog D; minus strand), RAD51L3-RFFL (RAD51L3-RFFL readthrough; minus strand). Cytogenetic location: 17q12.
Variant type: single nucleotide variant.
Coding change: c.907A>G on transcript NM_002878.4 (MANE Select); coding-DNA position 907, A replaced by G.
Protein change: p.Thr303Ala; replaces threonine 303 with alanine.
Molecular consequence: missense variant. On other transcripts: non-coding transcript variant (2).
Genome position (GRCh38, 1-based): chr17:35,101,033, T>C on the plus strand (A>G on the coding strand, the complement: RAD51D is on the minus strand). VCF-style: chr17-35101033-T-C. GRCh37 (hg19) VCF-style: chr17-33428052-T-C.
Other names: c.967A>G, p.Thr323Ala (NM_001142571.2); c.571A>G, p.Thr191Ala (NM_133629.3); short protein forms T303A, T191A, T323A.
Identifiers: ClinVar variation 187065 (VCV000187065.18), dbSNP rs786203444, ClinGen allele CA196643.
Genomic context (GRCh38, chr17:35,101,033, plus strand): 5'-ATGTGGCACTCTGCTCTGAGGTCCCCCAGGTCCCAATGTCTACCATCTCCTGGAAACCTG[T>C]TGGCTGGAAGAAGAAGTAAGGAGTCAGTGGAGTTAAGCAACCCAAGTGGGTAGCTTCTTT-3'
Protein context (NP_002869.3, residues 293-313): ACLAKSSRQP[Thr303Ala]GFQEMVDIGT